The following is an entry in ClinVar:

ClinVar aggregate classification (germline): Uncertain significance (1 of 4 stars; one submission).

Allele frequency attached by ClinVar (database versions not stated): gnomAD exomes below 0.00001; TOPMed below 0.00001.
gnomAD v4.1: 1 of 1,613,956 alleles (0.000062%); highest among the groups gnomAD compares: East Asian, 0.0022%; no homozygotes.

Submission:

Labcorp Genetics (formerly Invitae), Labcorp
Classification: Uncertain significance. Last evaluated: 2022-05-04. Review status: criteria provided, single submitter. Criteria: Invitae Variant Classification Sherloc (09022015). Collection method: clinical testing. Allele origin: germline.
Comment: In summary, the available evidence is currently insufficient to determine the role of this variant in disease. Therefore, it has been classified as a Variant of Uncertain Significance. Algorithms developed to predict the effect of missense changes on protein structure and function are either unavailable or do not agree on the potential impact of this missense change (SIFT: "Deleterious"; PolyPhen-2: "Benign"; Align-GVGD: "Class C0"). This variant has not been reported in the literature in individuals affected with DMXL2-related conditions. This variant is not present in population databases (gnomAD no frequency). This sequence change replaces threonine, which is neutral and polar, with isoleucine, which is neutral and non-polar, at codon 2435 of the DMXL2 protein (p.Thr2435Ile).

NM_001378457.1(DMXL2):c.7304C>T (p.Thr2435Ile)

Gene: DMXL2 (Dmx like 2; minus strand). Cytogenetic location: 15q21.2.
Variant type: single nucleotide variant.
Coding change: c.7304C>T on transcript NM_001378457.1 (MANE Select); coding-DNA position 7304, C replaced by T.
Protein change: p.Thr2435Ile; replaces threonine 2435 with isoleucine.
Molecular consequence: missense variant. On other transcripts: non-coding transcript variant (2).
Genome position (GRCh38, 1-based): chr15:51,471,311, G>A on the plus strand (C>T on the coding strand, the complement: DMXL2 is on the minus strand). VCF-style: chr15-51471311-G-A. GRCh37 (hg19) VCF-style: chr15-51763508-G-A.
Other names: c.7304C>T, p.Thr2435Ile (NM_001174116.3, NM_001378459.1, NM_001378461.1 and 1 more transcripts); c.5393C>T, p.Thr1798Ile (NM_001174117.3); c.7301C>T, p.Thr2434Ile (NM_001378458.1, NM_001378462.1, NM_015263.5); c.5282C>T, p.Thr1761Ile (NM_001378460.1); c.7061C>T, p.Thr2354Ile (NM_001378464.1); short protein forms T1761I, T1798I, T2354I, T2434I, T2435I.
Identifiers: ClinVar variation 1977683 (VCV001977683.4), dbSNP rs2041086045, ClinGen allele CA392440310.